The following is an entry in ClinVar:

ClinVar aggregate classification (germline): Likely benign. Review status: criteria provided, multiple submitters, no conflicts (2 of 4 stars). 3 submissions from 3 submitters: Likely benign (2). 1 of the submissions does not count toward it. Last evaluated 2023-09-01.

Conditions:
Microcephaly. Also called: Microcephaly (disease). Identifiers: MedGen C4551563, MONDO:0001149, HP:0000252.

Allele frequency attached by ClinVar (database versions not stated): ESP Exome Variant Server 0.00023; gnomAD 0.00063 and 0.00066; TOPMed 0.00063; gnomAD exomes 0.00085; ExAC 0.00096; 1000 Genomes Project 0.00160; 1000 Genomes Project 30x 0.00172.
gnomAD v4.1: 661 of 1,613,782 alleles (0.041%); highest among the groups gnomAD compares: East Asian, 0.45%; 11 homozygotes.

Submissions (3):

CeGaT Center for Human Genetics Tuebingen
Classification: Likely benign. Last evaluated: 2023-09-01. Review status: criteria provided, single submitter. Criteria: CeGaT Center For Human Genetics Tuebingen Variant Classification Criteria Version 2. Collection method: clinical testing. Allele origin: germline. Affected: yes. Observed: 1 variant allele.
Comment: RREB1: BP4, BS2

Labcorp Genetics (formerly Invitae), Labcorp
Classification: Likely benign. Last evaluated: 2019-12-31. Review status: criteria provided, single submitter. Criteria: Invitae Variant Classification Sherloc (09022015). Collection method: clinical testing. Allele origin: germline.

Department of Pediatrics, Samsung Medical Center, Samsung Medical Center
Classification: Uncertain significance for Microcephaly. Review status: no assertion criteria provided. Criteria: ACMG Guidelines, 2015. Collection method: research. Allele origin: germline. Affected: yes. Not counted in ClinVar's aggregate classification.

NM_001003699.4(RREB1):c.2690A>G (p.Asn897Ser)

Gene: RREB1 (ras responsive element binding protein 1; plus strand). Cytogenetic location: 6p24.3.
Variant type: single nucleotide variant.
Coding change: c.2690A>G on transcript NM_001003699.4 (MANE Select); coding-DNA position 2690, A replaced by G.
Protein change: p.Asn897Ser; replaces asparagine 897 with serine.
Molecular consequence: missense variant.
Genome position (GRCh38, 1-based): chr6:7,230,789, A>G. VCF-style: chr6-7230789-A-G. GRCh37 (hg19) VCF-style: chr6-7231022-A-G.
Other names: c.2690A>G, p.Asn897Ser (NM_001003698.4, NM_001003700.2, NM_001168344.2); short protein forms N897S.
Identifiers: ClinVar variation 719131 (VCV000719131.30), dbSNP rs139625876, ClinGen allele CA3625907.
Genomic context (GRCh38, chr6:7,230,789, plus strand): 5'-CTCCACCTCCCCATGTCTCGATCAAGTTGGAGCCCGCCAGTAGCTTTGCGGTGGACTTCA[A>G]TGAGCCCCTGGACTTCTCGCAGAAGGGCCTGGCCCTGGTCCAAGTGAAGCAGGAAAACAT-3'
Protein context (NP_001003699.1, residues 887-907): EPASSFAVDF[Asn897Ser]EPLDFSQKGL